The following is an entry in ClinVar:

ClinVar aggregate classification (germline): Uncertain significance. Review status: criteria provided, multiple submitters, no conflicts (2 of 4 stars). 2 submissions from 2 submitters: Uncertain significance (2). Last evaluated 2025-04-07.

Conditions:
Gastrointestinal stromal tumor. Also called: Gastrointestinal stromal tumor, somatic; Gastrointestinal stroma tumor. Identifiers: Orphanet 44890, MedGen C0238198, MeSH D046152, MONDO:0011719, OMIM 606764, HP:0100723.

Submissions (2):

Labcorp Genetics (formerly Invitae), Labcorp
Classification: Uncertain significance for Gastrointestinal stromal tumor. Last evaluated: 2025-04-07. Review status: criteria provided, single submitter. Criteria: Invitae Variant Classification Sherloc (09022015). Collection method: clinical testing. Allele origin: germline.
Comment: This sequence change replaces phenylalanine, which is neutral and non-polar, with serine, which is neutral and polar, at codon 316 of the KIT protein (p.Phe316Ser). This variant is not present in population databases (gnomAD no frequency). This variant has not been reported in the literature in individuals affected with KIT-related conditions. ClinVar contains an entry for this variant (Variation ID: 1054320). An algorithm developed to predict the effect of missense changes on protein structure and function outputs the following: PolyPhen-2: "Benign". The serine amino acid residue is found in multiple mammalian species, which suggests that this missense change does not adversely affect protein function. In summary, the available evidence is currently insufficient to determine the role of this variant in disease. Therefore, it has been classified as a Variant of Uncertain Significance.

GeneDx
Classification: Uncertain significance. Last evaluated: 2023-10-30. Review status: criteria provided, single submitter. Criteria: GeneDx Variant Classification Process June 2021. Collection method: clinical testing. Allele origin: germline. Affected: yes.
Comment: Not observed at significant frequency in large population cohorts (gnomAD); In silico analysis supports that this missense variant does not alter protein structure/function; Has not been previously published as pathogenic or benign to our knowledge

NM_000222.3(KIT):c.947T>C (p.Phe316Ser)

Gene: KIT (KIT proto-oncogene, receptor tyrosine kinase; plus strand). Cytogenetic location: 4q12.
Variant type: single nucleotide variant.
Coding change: c.947T>C on transcript NM_000222.3 (MANE Select); coding-DNA position 947, T replaced by C.
Protein change: p.Phe316Ser; replaces phenylalanine 316 with serine.
Molecular consequence: missense variant.
Genome position (GRCh38, 1-based): chr4:54,707,119, T>C. VCF-style: chr4-54707119-T-C. GRCh37 (hg19) VCF-style: chr4-55573285-T-C.
Other names: c.947T>C, p.Phe316Ser (NM_001093772.2, NM_001385285.1, NM_001385286.1); c.950T>C, p.Phe317Ser (NM_001385284.1, NM_001385288.1, NM_001385290.1 and 1 more transcripts); c.947T>C (NM_000222.2); short protein forms F316S, F317S.
Identifiers: ClinVar variation 1054320 (VCV001054320.10), dbSNP rs2109704968, ClinGen allele CA356900730.
Genomic context (GRCh38, chr4:54,707,119, plus strand): 5'-AGATAATGGTTTCTTTCTGTCTTATTTCATTCTAATTAGATAAAGGATTCATTAATATCT[T>C]CCCCATGATAAACACTACAGTATTTGTAAACGATGGAGAAAATGTAGATTTGATTGTTGA-3'
Protein context (NP_000213.1, residues 306-326): EVVDKGFINI[Phe316Ser]PMINTTVFVN